The following is an entry in ClinVar:

NM_153704.6(TMEM67):c.1576-2del

Gene: TMEM67 (transmembrane protein 67; plus strand). Cytogenetic location: 8q22.1.
Variant type: Deletion.
Coding change: c.1576-2del on transcript NM_153704.6 (MANE Select); the canonical splice acceptor site of the intron before coding-DNA position 1576, one base deleted (A; older notation c.1576-2delA).
Molecular consequence: splice acceptor variant.
Genome position (GRCh38, 1-based): chr8:93,793,196, A deleted. VCF-style (leftmost placement, unchanged base first): chr8-93793195-TA-T. GRCh37 (hg19) VCF-style: chr8-94805423-TA-T.
Other names: c.1333-2del (NM_001142301.1).
Identifiers: ClinVar variation 2922268 (VCV002922268.3), dbSNP rs2536888058, ClinGen allele CA2740095095.
Genomic context (GRCh38, chr8:93,793,195, plus strand): 5'-CAGTGTTTTTGAACACCGATGACAGAAATTACATAAATTCTCAATTGTTCTTTTGTTTTT[TA>T]GATTGCTTTGGGTGTATTGGGTGGGCTAGCTGTTTTAGCATCTCTTTTGAAGACAGCAGG-3'

ClinVar aggregate classification (germline): Likely pathogenic (1 of 4 stars; one submission).

Conditions:
Joubert syndrome. Also called: CEREBELLOPARENCHYMAL DISORDER IV; JOUBERT-BOLTSHAUSER SYNDROME; Familial aplasia of the vermis. Identifiers: Orphanet 475, MedGen C5979921, MONDO:0018772.
Meckel-Gruber syndrome. Also called: DYSENCEPHALIA SPLANCHNOCYSTICA; GRUBER SYNDROME; Dysencephalia splachnocystica. Identifiers: Orphanet 564, MedGen C0265215, MONDO:0018921.

Submission:

Labcorp Genetics (formerly Invitae), Labcorp
Classification: Likely pathogenic for Joubert syndrome; Meckel-Gruber syndrome. Last evaluated: 2024-01-19. Review status: criteria provided, single submitter. Criteria: Invitae Variant Classification Sherloc (09022015). Collection method: clinical testing. Allele origin: germline.
Comment: This sequence change affects a splice site in intron 15 of the TMEM67 gene. It is expected to disrupt RNA splicing. Variants that disrupt the donor or acceptor splice site typically lead to a loss of protein function (PMID: 16199547), and loss-of-function variants in TMEM67 are known to be pathogenic (PMID: 20232449, 23559409). This variant is not present in population databases (gnomAD no frequency). This variant has not been reported in the literature in individuals affected with TMEM67-related conditions. Algorithms developed to predict the effect of sequence changes on RNA splicing suggest that this variant may disrupt the consensus splice site. In summary, the currently available evidence indicates that the variant is pathogenic, but additional data are needed to prove that conclusively. Therefore, this variant has been classified as Likely Pathogenic.

Literature cited by the submitters: PubMed 16199547; PubMed 20232449; PubMed 23559409.